The following is an entry in ClinVar:

ClinVar aggregate classification (germline): Likely benign (1 of 4 stars; one submission).

gnomAD v4.1: 5 of 1,606,290 alleles (0.00031%); highest among the groups gnomAD compares: Non-Finnish European, 0.00034%; no homozygotes.

Submission:

GeneDx
Classification: Likely benign. Last evaluated: 2022-06-13. Review status: criteria provided, single submitter. Criteria: GeneDx Variant Classification Process June 2021. Collection method: clinical testing. Allele origin: germline. Affected: yes.
Comment: See Variant Classification Assertion Criteria.

NM_001347721.2(DYRK1A):c.2261C>G (p.Ser754Trp)

Gene: DYRK1A (dual specificity tyrosine phosphorylation regulated kinase 1A; plus strand). Cytogenetic location: 21q22.13.
Variant type: single nucleotide variant.
Coding change: c.2261C>G on transcript NM_001347721.2 (MANE Select); coding-DNA position 2261, C replaced by G.
Protein change: p.Ser754Trp; replaces serine 754 with tryptophan.
Molecular consequence: missense variant. On other transcripts: 3 prime UTR variant (2).
Genome position (GRCh38, 1-based): chr21:37,512,527, C>G. VCF-style: chr21-37512527-C-G. GRCh37 (hg19) VCF-style: chr21-38884830-C-G.
Other names: c.2261C>G, p.Ser754Trp (NM_001347722.2, NM_130436.2); c.2174C>G, p.Ser725Trp (NM_001347723.2); c.2288C>G, p.Ser763Trp (NM_001396.5); c.*664C>G (NM_101395.2); c.*573C>G (NM_130438.2); short protein forms S725W, S754W, S763W.
Identifiers: ClinVar variation 1310957 (VCV001310957.5), dbSNP rs771118827, ClinGen allele CA409942144.
Genomic context (GRCh38, chr21:37,512,527, plus strand): 5'-CTGATAGAGAAGAGTCCCCCATGACAGGAGTTTGTGTGCAACAGAGTCCTGTAGCTAGCT[C>G]GTGACTACATTGAAACTTGAGTTTGTTTCTTGTGTGTTTTTATAGAAGTGGTGTTTTTTT-3'
Protein context (NP_001334650.1, residues 744-754): VCVQQSPVAS[Ser754Trp]